The following is an entry in ClinVar:

ClinVar aggregate classification (germline): Uncertain significance. Review status: criteria provided, multiple submitters, no conflicts (2 of 4 stars). 2 submissions from 2 submitters: Uncertain significance (2). Last evaluated 2024-10-24.

Conditions:
Cardiovascular phenotype. Identifiers: MedGen CN230736.
Hereditary cancer-predisposing syndrome. Also called: Hereditary Cancer Syndrome; Hereditary neoplastic syndrome; Neoplastic Syndromes, Hereditary; Tumor predisposition. Identifiers: Orphanet 140162, MedGen C0027672, MeSH D009386, MONDO:0015356.

Submissions (2):

Labcorp Genetics (formerly Invitae), Labcorp
Classification: Uncertain significance. Last evaluated: 2024-10-24. Review status: criteria provided, single submitter. Criteria: Invitae Variant Classification Sherloc (09022015). Collection method: clinical testing. Allele origin: germline.
Comment: This sequence change replaces histidine, which is basic and polar, with aspartic acid, which is acidic and polar, at codon 459 of the LZTR1 protein (p.His459Asp). This variant is not present in population databases (gnomAD no frequency). This variant has not been reported in the literature in individuals affected with LZTR1-related conditions. ClinVar contains an entry for this variant (Variation ID: 1771134). Invitae Evidence Modeling of protein sequence and biophysical properties (such as structural, functional, and spatial information, amino acid conservation, physicochemical variation, residue mobility, and thermodynamic stability) indicates that this missense variant is not expected to disrupt LZTR1 protein function with a negative predictive value of 80%. In summary, the available evidence is currently insufficient to determine the role of this variant in disease. Therefore, it has been classified as a Variant of Uncertain Significance.

Ambry Genetics
Classification: Uncertain significance for Cardiovascular phenotype; Hereditary cancer-predisposing syndrome. Last evaluated: 2022-10-29. Review status: criteria provided, single submitter. Criteria: Ambry Variant Classification Scheme 2023. Collection method: clinical testing. Allele origin: germline.
Comment: The p.H459D variant (also known as c.1375C>G), located in coding exon 13 of the LZTR1 gene, results from a C to G substitution at nucleotide position 1375. The histidine at codon 459 is replaced by aspartic acid, an amino acid with similar properties. This amino acid position is conserved. In addition, this alteration is predicted to be deleterious by in silico analysis. Since supporting evidence is limited at this time, the clinical significance of this alteration remains unclear.

NM_006767.4(LZTR1):c.1375C>G (p.His459Asp)

Gene: LZTR1 (leucine zipper like post translational regulator 1; plus strand). Cytogenetic location: 22q11.21.
Variant type: single nucleotide variant.
Coding change: c.1375C>G on transcript NM_006767.4 (MANE Select); coding-DNA position 1375, C replaced by G.
Protein change: p.His459Asp; replaces histidine 459 with aspartic acid.
Molecular consequence: missense variant.
Genome position (GRCh38, 1-based): chr22:20,993,945, C>G. VCF-style: chr22-20993945-C-G. GRCh37 (hg19) VCF-style: chr22-21348234-C-G.
Other names: short protein forms H459D.
Identifiers: ClinVar variation 1771134 (VCV001771134.4), dbSNP rs1162619671, ClinGen allele CA410775064.
Genomic context (GRCh38, chr22:20,993,945, plus strand): 5'-GGTCCTGTGCCCTCTGCCAGTGCATCATTCTTTGTGCAGAAGGAGGAGTGCGTGCAGGGC[C>G]ACGTAGCCATTGTCACAGCGCGGAGCCGCTGGCTTCGCAGGAAGATCACGCAGGCGCGGG-3'
Protein context (NP_006758.2, residues 449-469): LGEKEECVQG[His459Asp]VAIVTARSRW